The following is an entry in ClinVar:

NM_182961.4(SYNE1):c.5414G>A (p.Arg1805Gln)

Gene: SYNE1 (spectrin repeat containing nuclear envelope protein 1; minus strand). Cytogenetic location: 6q25.2.
Variant type: single nucleotide variant.
Coding change: c.5414G>A on transcript NM_182961.4 (MANE Select); coding-DNA position 5414, G replaced by A.
Protein change: p.Arg1805Gln; replaces arginine 1805 with glutamine.
Molecular consequence: missense variant.
Genome position (GRCh38, 1-based): chr6:152,419,576, C>T on the plus strand (G>A on the coding strand, the complement: SYNE1 is on the minus strand). VCF-style: chr6-152419576-C-T. GRCh37 (hg19) VCF-style: chr6-152740711-C-T.
Other names: c.5435G>A, p.Arg1812Gln (NM_033071.5); c.5435G>A (NM_033071.3); c.5414G>A (NM_182961.2); short protein forms R1812Q, R1805Q.
Identifiers: ClinVar variation 1472115 (VCV001472115.5), dbSNP rs749200824, ClinGen allele CA4058304.

ClinVar aggregate classification (germline): Uncertain significance. Review status: criteria provided, multiple submitters, no conflicts (2 of 4 stars). 3 submissions from 3 submitters: Uncertain significance (3). Last evaluated 2025-02-13.

Conditions:
Autosomal recessive ataxia, Beauce type. Also called: SYNE1-Related Autosomal Recessive Cerebellar Ataxia; Spinocerebellar ataxia, autosomal recessive 8; ATAXIA, RECESSIVE, OF BEAUCE; SYNE1 Deficiency. Identifiers: Orphanet 88644, MedGen C1853116, MONDO:0012549, OMIM 610743.
Emery-Dreifuss muscular dystrophy 4, autosomal dominant (EDMD4). Also called: EMERY-DREIFUSS MUSCULAR DYSTROPHY 4 WITH VARIABLE FEATURES. Identifiers: Orphanet 261, MedGen C2751807, MONDO:0013071, OMIM 612998.

Allele frequency attached by ClinVar (database versions not stated): ExAC 0.00001.
gnomAD v4.1: 9 of 1,612,448 alleles (0.00056%); highest among the groups gnomAD compares: East Asian, 0.0067%; no homozygotes.

Submissions (3):

Athena Diagnostics
Classification: Uncertain significance. Last evaluated: 2025-02-13. Review status: criteria provided, single submitter. Criteria: Athena Diagnostics Criteria. Collection method: clinical testing. Allele origin: unknown.
Comment: Available data are insufficient to determine the clinical significance of the variant at this time. The frequency of this variant in the general population is uninformative in assessment of its pathogenicity. Polyphen and MutationTaster predict this amino acid change may be benign.

GeneDx
Classification: Uncertain significance. Last evaluated: 2023-12-03. Review status: criteria provided, single submitter. Criteria: GeneDx Variant Classification Process June 2021. Collection method: clinical testing. Allele origin: germline. Affected: yes.
Comment: Not observed at significant frequency in large population cohorts (gnomAD); In silico analysis supports that this missense variant does not alter protein structure/function; Has not been previously published as pathogenic or benign to our knowledge

Labcorp Genetics (formerly Invitae), Labcorp
Classification: Uncertain significance for Emery-Dreifuss muscular dystrophy 4, autosomal dominant; Autosomal recessive ataxia, Beauce type. Last evaluated: 2021-09-22. Review status: criteria provided, single submitter. Criteria: Invitae Variant Classification Sherloc (09022015). Collection method: clinical testing. Allele origin: germline.
Comment: This sequence change replaces arginine with glutamine at codon 1812 of the SYNE1 protein (p.Arg1812Gln). The arginine residue is highly conserved and there is a small physicochemical difference between arginine and glutamine. This variant is present in population databases (rs749200824, ExAC 0.01%). This variant has not been reported in the literature in individuals affected with SYNE1-related conditions. Algorithms developed to predict the effect of missense changes on protein structure and function output the following: SIFT: "Tolerated"; PolyPhen-2: "Benign"; Align-GVGD: "Class C0". The glutamine amino acid residue is found in multiple mammalian species, which suggests that this missense change does not adversely affect protein function. In summary, the available evidence is currently insufficient to determine the role of this variant in disease. Therefore, it has been classified as a Variant of Uncertain Significance.

Literature cited by the submitters: PubMed 30348779 (cited by Athena Diagnostics).